The following is an entry in ClinVar:

ClinVar aggregate classification (germline): Uncertain significance (1 of 4 stars; one submission).

Conditions:
Chédiak-Higashi syndrome (CHS). Also called: Chediak-Higashi Syndrome. Identifiers: Orphanet 167, MedGen C0007965, MONDO:0008963, OMIM 214500.

Allele frequency attached by ClinVar (database versions not stated): ExAC 0.00004; TOPMed 0.00004.
gnomAD v4.1: 20 of 1,613,994 alleles (0.0012%); highest among the groups gnomAD compares: East Asian, 0.038%; no homozygotes.

Submission:

Labcorp Genetics (formerly Invitae), Labcorp
Classification: Uncertain significance for Chédiak-Higashi syndrome. Last evaluated: 2022-06-15. Review status: criteria provided, single submitter. Criteria: Invitae Variant Classification Sherloc (09022015). Collection method: clinical testing. Allele origin: germline.
Comment: This sequence change replaces glycine, which is neutral and non-polar, with alanine, which is neutral and non-polar, at codon 232 of the LYST protein (p.Gly232Ala). This variant is present in population databases (rs770837885, gnomAD 0.09%). This variant has not been reported in the literature in individuals affected with LYST-related conditions. Algorithms developed to predict the effect of missense changes on protein structure and function output the following: SIFT: "Tolerated"; PolyPhen-2: "Benign"; Align-GVGD: "Class C0". The alanine amino acid residue is found in multiple mammalian species, which suggests that this missense change does not adversely affect protein function. In summary, the available evidence is currently insufficient to determine the role of this variant in disease. Therefore, it has been classified as a Variant of Uncertain Significance.

NM_000081.4(LYST):c.695G>C (p.Gly232Ala)

Gene: LYST (lysosomal trafficking regulator; minus strand). Cytogenetic location: 1q42.3.
Variant type: single nucleotide variant.
Coding change: c.695G>C on transcript NM_000081.4 (MANE Select); coding-DNA position 695, G replaced by C.
Protein change: p.Gly232Ala; replaces glycine 232 with alanine.
Molecular consequence: missense variant.
Genome position (GRCh38, 1-based): chr1:235,810,123, C>G on the plus strand (G>C on the coding strand, the complement: LYST is on the minus strand). VCF-style: chr1-235810123-C-G. GRCh37 (hg19) VCF-style: chr1-235973423-C-G.
Other names: c.695G>C, p.Gly232Ala (NM_001301365.1); short protein forms G232A.
Identifiers: ClinVar variation 1431971 (VCV001431971.5), dbSNP rs770837885, ClinGen allele CA1467577.